The following is an entry in ClinVar:

ClinVar aggregate classification (germline): Uncertain significance (1 of 4 stars; one submission).

Allele frequency attached by ClinVar (database versions not stated): gnomAD exomes 0.00001.
gnomAD v4.1: 1 of 1,563,406 alleles (0.000064%); highest among the groups gnomAD compares: Middle Eastern, 0.022%; no homozygotes.

Submission:

GeneDx
Classification: Uncertain significance. Last evaluated: 2019-09-13. Review status: criteria provided, single submitter. Criteria: GeneDx Variant Classification Process June 2021. Collection method: clinical testing. Allele origin: germline. Affected: yes.
Comment: Not observed at a significant frequency in large population cohorts (Lek et al., 2016); In silico analysis, which includes protein predictors and evolutionary conservation, supports that this variant does not alter protein structure/function; Has not been previously published as pathogenic or benign to our knowledge

NM_001009944.3(PKD1):c.6514C>G (p.His2172Asp)

Gene: PKD1 (polycystin 1, transient receptor potential channel interacting; minus strand). Cytogenetic location: 16p13.3.
Variant type: single nucleotide variant.
Coding change: c.6514C>G on transcript NM_001009944.3 (MANE Select); coding-DNA position 6514, C replaced by G.
Protein change: p.His2172Asp; replaces histidine 2172 with aspartic acid.
Molecular consequence: missense variant.
Genome position (GRCh38, 1-based): chr16:2,108,653, G>C on the plus strand (C>G on the coding strand, the complement: PKD1 is on the minus strand). VCF-style: chr16-2108653-G-C. GRCh37 (hg19) VCF-style: chr16-2158654-G-C.
Other names: c.6514C>G, p.His2172Asp (NM_000296.4); short protein forms H2172D.
Identifiers: ClinVar variation 1311198 (VCV001311198.2), dbSNP rs762002707, ClinGen allele CA394373407.